The following is an entry in ClinVar:

NM_016507.4(CDK12):c.2533G>A (p.Glu845Lys)

Gene: CDK12 (cyclin dependent kinase 12; plus strand). Cytogenetic location: 17q12.
Variant type: single nucleotide variant.
Coding change: c.2533G>A on transcript NM_016507.4 (MANE Select); coding-DNA position 2533, G replaced by A.
Protein change: p.Glu845Lys; replaces glutamic acid 845 with lysine.
Molecular consequence: missense variant.
Genome position (GRCh38, 1-based): chr17:39,501,363, G>A. VCF-style: chr17-39501363-G-A. GRCh37 (hg19) VCF-style: chr17-37657616-G-A.
Other names: c.2533G>A, p.Glu845Lys (NM_015083.4); short protein forms E845K.
Identifiers: ClinVar variation 4868554 (VCV004868554.1).

ClinVar aggregate classification (germline): Uncertain significance (1 of 4 stars; one submission).

Submission:

Ambry Genetics
Classification: Uncertain significance. Last evaluated: 2026-05-21. Review status: criteria provided, single submitter. Criteria: Ambry Variant Classification Scheme 2023. Collection method: clinical testing. Allele origin: germline.
Comment: The p.E845K variant (also known as c.2533G>A), located in coding exon 6 of the CDK12 gene, results from a G to A substitution at nucleotide position 2533. The glutamic acid at codon 845 is replaced by lysine, an amino acid with similar properties. This amino acid position is conserved. In addition, this alteration is predicted to be deleterious by in silico analysis. Based on the available evidence, the clinical significance of this variant remains unclear.